The following is an entry in ClinVar:

NM_000492.4(CFTR):c.1392+3327A>G

Genes: CFTR (CF transmembrane conductance regulator; plus strand), CFTR-AS1 (CFTR antisense RNA 1; minus strand). Cytogenetic location: 7q31.2.
Variant type: single nucleotide variant.
Coding change: c.1392+3327A>G on transcript NM_000492.4 (MANE Select); 3327 bases into the intron after coding-DNA position 1392, A replaced by G.
Molecular consequence: intron variant.
Genome position (GRCh38, 1-based): chr7:117,552,150, A>G. VCF-style: chr7-117552150-A-G. GRCh37 (hg19) VCF-style: chr7-117192204-A-G.
Identifiers: ClinVar variation 4280028 (VCV004280028.1).

ClinVar aggregate classification (germline): Uncertain significance (1 of 4 stars; one submission).

Conditions:
Cystic fibrosis (CF). Also called: MUCOVISCIDOSIS. Identifiers: Orphanet 586, MedGen C0010674, MONDO:0009061, OMIM 219700. Disease mechanism: loss of function.

gnomAD v4.1: 1 of 151,864 alleles (0.00066%); highest among the groups gnomAD compares: African/African-American, 0.0024%; no homozygotes.

Submission:

Johns Hopkins Genomics, Johns Hopkins University
Classification: Uncertain significance for Cystic fibrosis. Last evaluated: 2024-02-29. Review status: criteria provided, single submitter. Criteria: ACMG Guidelines, 2015. Collection method: clinical testing. Allele origin: germline.
Comment: This intronic CFTR variant is rare (<0.1%) in a large population dataset (gnomADv4.0.0: 1/151864 total alleles; 0.0007%; no homozygotes) and has not been reported in ClinVar nor the literature, to our knowledge. Bioinformatic analysis predicts that this variant may create a weak cryptic donor splice site and affect normal exon 10 splicing, although this has not been confirmed experimentally. We consider the clinical significance of CFTR c.1392+3327A>G to be uncertain at this time.